The following is an entry in ClinVar:

NM_004168.4(SDHA):c.386G>A (p.Gly129Asp)

Gene: SDHA (succinate dehydrogenase complex flavoprotein subunit A; plus strand). Cytogenetic location: 5p15.33.
Variant type: single nucleotide variant.
Coding change: c.386G>A on transcript NM_004168.4 (MANE Select); coding-DNA position 386, G replaced by A.
Protein change: p.Gly129Asp; replaces glycine 129 with aspartic acid.
Molecular consequence: missense variant. On other transcripts: intron variant (1).
Genome position (GRCh38, 1-based): chr5:225,492, G>A. VCF-style: chr5-225492-G-A. GRCh37 (hg19) VCF-style: chr5-225607-G-A.
Other names: c.386G>A, p.Gly129Asp (NM_001330758.2); c.313-391G>A (NM_001294332.2); short protein forms G129D.
Identifiers: ClinVar variation 1362021 (VCV001362021.6), dbSNP rs2126547166, ClinGen allele CA359009429.

ClinVar aggregate classification (germline): Uncertain significance (1 of 4 stars; one submission).

Conditions:
Mitochondrial complex II deficiency, nuclear type 1. Also called: SUCCINATE CoQ REDUCTASE DEFICIENCY. Identifiers: Orphanet 3208, MedGen C5700310, MONDO:0100294, OMIM 252011.
Pheochromocytoma/paraganglioma syndrome 5. Also called: Paragangliomas 5; SDHA-Related Hereditary Paraganglioma-Pheochromocytoma Syndrome. Identifiers: Orphanet 29072, MedGen C3279992, MONDO:0013602, OMIM 614165.

Submission:

Labcorp Genetics (formerly Invitae), Labcorp
Classification: Uncertain significance for Pheochromocytoma/paraganglioma syndrome 5; Mitochondrial complex II deficiency, nuclear type 1. Last evaluated: 2025-05-13. Review status: criteria provided, single submitter. Criteria: Invitae Variant Classification Sherloc (09022015). Collection method: clinical testing. Allele origin: germline.
Comment: This sequence change replaces glycine, which is neutral and non-polar, with aspartic acid, which is acidic and polar, at codon 129 of the SDHA protein (p.Gly129Asp). This variant is not present in population databases (gnomAD no frequency). This variant has not been reported in the literature in individuals affected with SDHA-related conditions. ClinVar contains an entry for this variant (Variation ID: 1362021). Invitae Evidence Modeling of protein sequence and biophysical properties (such as structural, functional, and spatial information, amino acid conservation, physicochemical variation, residue mobility, and thermodynamic stability) has been performed for this missense variant. However, the output from this modeling did not meet the statistical confidence thresholds required to predict the impact of this variant on SDHA protein function. In summary, the available evidence is currently insufficient to determine the role of this variant in disease. Therefore, it has been classified as a Variant of Uncertain Significance.